The following is an entry in ClinVar:

NM_005055.5(RAPSN):c.706G>A (p.Ala236Thr)

Gene: RAPSN (receptor associated protein of the synapse; minus strand). Cytogenetic location: 11p11.2.
Variant type: single nucleotide variant.
Coding change: c.706G>A on transcript NM_005055.5 (MANE Select); coding-DNA position 706, G replaced by A.
Protein change: p.Ala236Thr; replaces alanine 236 with threonine.
Molecular consequence: missense variant.
Genome position (GRCh38, 1-based): chr11:47,441,906, C>T on the plus strand (G>A on the coding strand, the complement: RAPSN is on the minus strand). VCF-style: chr11-47441906-C-T. GRCh37 (hg19) VCF-style: chr11-47463458-C-T.
Other names: c.706G>A, p.Ala236Thr (NM_032645.5); short protein forms A236T.
Identifiers: ClinVar variation 304975 (VCV000304975.11), dbSNP rs545915312, ClinGen allele CA5976660.

ClinVar aggregate classification (germline): Uncertain significance. Review status: criteria provided, multiple submitters, no conflicts (2 of 4 stars). 2 submissions from 2 submitters: Uncertain significance (2). Last evaluated 2023-09-23.

Conditions:
Fetal akinesia deformation sequence 1 (FADS1). Also called: Fetal akinesia sequence; Pena-Shokeir syndrome type I. Identifiers: Orphanet 994, MedGen C1276035, MONDO:0100101, OMIM 208150, HP:0001989.
Congenital myasthenic syndrome 11. Also called: MYASTHENIC SYNDROME, CONGENITAL, Ie; Myasthenic syndrome, congenital, 11, associated with acetylcholine receptor deficiency. Identifiers: Orphanet 590, MedGen C4225367, MONDO:0014588, OMIM 616326.

Allele frequency attached by ClinVar (database versions not stated): ExAC 0.00002; gnomAD exomes 0.00002; gnomAD 0.00003; TOPMed 0.00003; 1000 Genomes Project 30x 0.00016; 1000 Genomes Project 0.00020.
gnomAD v4.1: 29 of 1,575,804 alleles (0.0018%); highest among the groups gnomAD compares: African/African-American, 0.0082%; no homozygotes.

Submissions (2):

Revvity Omics, Revvity
Classification: Uncertain significance. Last evaluated: 2023-09-23. Review status: criteria provided, single submitter. Criteria: ACMG Guidelines, 2015. Collection method: clinical testing. Allele origin: germline.

Labcorp Genetics (formerly Invitae), Labcorp
Classification: Uncertain significance for Congenital myasthenic syndrome 11; Fetal akinesia deformation sequence 1. Last evaluated: 2021-09-24. Review status: criteria provided, single submitter. Criteria: Invitae Variant Classification Sherloc (09022015). Collection method: clinical testing. Allele origin: germline.
Comment: This sequence change replaces alanine with threonine at codon 236 of the RAPSN protein (p.Ala236Thr). The alanine residue is highly conserved and there is a small physicochemical difference between alanine and threonine. This variant is present in population databases (rs545915312, ExAC 0.003%). This variant has not been reported in the literature in individuals with RAPSN-related conditions. ClinVar contains an entry for this variant (Variation ID: 304975). Algorithms developed to predict the effect of missense changes on protein structure and function are either unavailable or do not agree on the potential impact of this missense change (SIFT: "Deleterious"; PolyPhen-2: "Probably Damaging"; Align-GVGD: "Class C0"). In summary, the available evidence is currently insufficient to determine the role of this variant in disease. Therefore, it has been classified as a Variant of Uncertain Significance.